The following is an entry in ClinVar:

NM_001364857.2(ADGRB2):c.4294G>A (p.Ala1432Thr)

Gene: ADGRB2 (adhesion G protein-coupled receptor B2; minus strand). Cytogenetic location: 1p35.2.
Variant type: single nucleotide variant.
Coding change: c.4294G>A on transcript NM_001364857.2 (MANE Select); coding-DNA position 4294, G replaced by A.
Protein change: p.Ala1432Thr; replaces alanine 1432 with threonine.
Molecular consequence: missense variant.
Genome position (GRCh38, 1-based): chr1:31,730,886, C>T on the plus strand (G>A on the coding strand, the complement: ADGRB2 is on the minus strand). VCF-style: chr1-31730886-C-T. GRCh37 (hg19) VCF-style: chr1-32196487-C-T.
Other names: c.4294G>A, p.Ala1432Thr (NM_001294335.2, NM_001703.2); c.4195G>A, p.Ala1399Thr (NM_001294336.2); short protein forms A1399T, A1432T.
Identifiers: ClinVar variation 2067477 (VCV002067477.4), dbSNP rs756351722, ClinGen allele CA735103.

ClinVar aggregate classification (germline): Uncertain significance (1 of 4 stars; one submission).

Allele frequency attached by ClinVar (database versions not stated): ExAC 0.00037; gnomAD 0.00001; TOPMed 0.00006.
gnomAD v4.1: 58 of 1,573,890 alleles (0.0037%); highest among the groups gnomAD compares: Admixed American, 0.096%; 4 homozygotes.

Submission:

Labcorp Genetics (formerly Invitae), Labcorp
Classification: Uncertain significance. Last evaluated: 2022-05-22. Review status: criteria provided, single submitter. Criteria: Invitae Variant Classification Sherloc (09022015). Collection method: clinical testing. Allele origin: germline.
Comment: In summary, the available evidence is currently insufficient to determine the role of this variant in disease. Therefore, it has been classified as a Variant of Uncertain Significance. Algorithms developed to predict the effect of missense changes on protein structure and function are either unavailable or do not agree on the potential impact of this missense change (SIFT: "Tolerated"; PolyPhen-2: "Not Available"; Align-GVGD: "Class C0"). This variant has not been reported in the literature in individuals affected with ADGRB2-related conditions. This variant is present in population databases (rs756351722, gnomAD 0.1%), and has an allele count higher than expected for a pathogenic variant. This sequence change replaces alanine, which is neutral and non-polar, with threonine, which is neutral and polar, at codon 1399 of the ADGRB2 protein (p.Ala1399Thr).